The following is an entry in ClinVar:

ClinVar aggregate classification (germline): Uncertain significance (1 of 4 stars; one submission).

Conditions:
Combined immunodeficiency due to LRBA deficiency. Also called: Common variable immunodeficiency 8, with autoimmunity. Identifiers: Orphanet 445018, MedGen C3553512, MONDO:0013863, OMIM 614700.

Submission:

Labcorp Genetics (formerly Invitae), Labcorp
Classification: Uncertain significance for Combined immunodeficiency due to LRBA deficiency. Last evaluated: 2020-07-15. Review status: criteria provided, single submitter. Criteria: Invitae Variant Classification Sherloc (09022015). Collection method: clinical testing. Allele origin: germline.
Comment: This sequence change replaces isoleucine with valine at codon 493 of the LRBA protein (p.Ile493Val). The isoleucine residue is weakly conserved and there is a small physicochemical difference between isoleucine and valine. Algorithms developed to predict the effect of sequence changes on RNA splicing suggest that this variant may create or strengthen a splice site, but this prediction has not been confirmed by published transcriptional studies. Algorithms developed to predict the effect of missense changes on protein structure and function output the following: SIFT: "Tolerated"; PolyPhen-2: "Benign"; Align-GVGD: "Class C0". The valine amino acid residue is found in multiple mammalian species, suggesting that this missense change does not adversely affect protein function. These predictions have not been confirmed by published functional studies and their clinical significance is uncertain. This variant has not been reported in the literature in individuals with LRBA-related conditions. This variant is not present in population databases (ExAC no frequency). In summary, the available evidence is currently insufficient to determine the role of this variant in disease. Therefore, it has been classified as a Variant of Uncertain Significance.

NM_001364905.1(LRBA):c.1477A>G (p.Ile493Val)

Gene: LRBA (LPS responsive beige-like anchor protein; minus strand). Cytogenetic location: 4q31.3.
Variant type: single nucleotide variant.
Coding change: c.1477A>G on transcript NM_001364905.1 (MANE Select); coding-DNA position 1477, A replaced by G.
Protein change: p.Ile493Val; replaces isoleucine 493 with valine.
Molecular consequence: missense variant.
Genome position (GRCh38, 1-based): chr4:150,908,350, T>C on the plus strand (A>G on the coding strand, the complement: LRBA is on the minus strand). VCF-style: chr4-150908350-T-C. GRCh37 (hg19) VCF-style: chr4-151829502-T-C.
Other names: c.1477A>G, p.Ile493Val (NM_001199282.3, NM_001367550.1, NM_006726.5); short protein forms I493V.
Identifiers: ClinVar variation 1020356 (VCV001020356.8), dbSNP rs1731575422, ClinGen allele CA358433168.